The following is an entry in ClinVar:

NM_021267.5(CERS1):c.667A>G (p.Ile223Val)

Genes: CERS1 (ceramide synthase 1; minus strand), GDF1 (growth differentiation factor 1; minus strand). Cytogenetic location: 19p13.11.
Variant type: single nucleotide variant.
Coding change: c.667A>G on transcript NM_021267.5 (MANE Select); coding-DNA position 667, A replaced by G.
Protein change: p.Ile223Val; replaces isoleucine 223 with valine.
Molecular consequence: missense variant. On other transcripts: 5 prime UTR variant (1), intron variant (1).
Genome position (GRCh38, 1-based): chr19:18,880,359, T>C on the plus strand (A>G on the coding strand, the complement: CERS1 is on the minus strand). VCF-style: chr19-18880359-T-C. GRCh37 (hg19) VCF-style: chr19-18991168-T-C.
Other names: c.373A>G, p.Ile125Val (NM_001290265.2, NM_001387442.1, NM_001387443.1 and 2 more transcripts); c.667A>G, p.Ile223Val (NM_001387439.1, NM_001387440.1, NM_198207.3); c.622A>G, p.Ile208Val (NM_001387441.1); c.-656A>G (NM_001492.6); c.-313+3728A>G (NM_001387438.1); short protein forms I125V, I208V, I223V.
Identifiers: ClinVar variation 2144640 (VCV002144640.4), dbSNP rs111874085, ClinGen allele CA306245341.
Genomic context (GRCh38, chr19:18,880,359, plus strand): 5'-CCAAGTCTGCTGCCAAGGCATGCAGCCGATGGTAGGAGCCGCCGCGGGACTTGAAGTAAA[T>C]GTTGAGCTTGGTGAACTCAAGCTGCACGTCACTGATATCGTGCAGGAAGAGCACAAGGAT-3'
Protein context (NP_067090.1, residues 213-233): DVQLEFTKLN[Ile223Val]YFKSRGGSYH

ClinVar aggregate classification (germline): Uncertain significance (1 of 4 stars; one submission).

Conditions:
Progressive myoclonic epilepsy type 8. Identifiers: Orphanet 424027, MedGen C5190825, MONDO:0014545, OMIM 616230.

Allele frequency attached by ClinVar (database versions not stated): gnomAD exomes below 0.00001; TOPMed 0.00001; gnomAD 0.00002.
gnomAD v4.1: 13 of 1,570,064 alleles (0.00083%); highest among the groups gnomAD compares: African/African-American, 0.0081%; no homozygotes.

Submission:

Labcorp Genetics (formerly Invitae), Labcorp
Classification: Uncertain significance for Progressive myoclonic epilepsy type 8. Last evaluated: 2023-10-03. Review status: criteria provided, single submitter. Criteria: Invitae Variant Classification Sherloc (09022015). Collection method: clinical testing. Allele origin: germline.
Comment: This sequence change replaces isoleucine, which is neutral and non-polar, with valine, which is neutral and non-polar, at codon 223 of the CERS1 protein (p.Ile223Val). This variant is not present in population databases (gnomAD no frequency). This variant has not been reported in the literature in individuals affected with CERS1-related conditions. ClinVar contains an entry for this variant (Variation ID: 2144640). Advanced modeling of protein sequence and biophysical properties (such as structural, functional, and spatial information, amino acid conservation, physicochemical variation, residue mobility, and thermodynamic stability) performed at Invitae indicates that this missense variant is not expected to disrupt CERS1 protein function. In summary, the available evidence is currently insufficient to determine the role of this variant in disease. Therefore, it has been classified as a Variant of Uncertain Significance.